The following is an entry in ClinVar:

NM_000434.4(NEU1):c.74del (p.Gly25fs)

Gene: NEU1 (neuraminidase 1; minus strand). Cytogenetic location: 6p21.33.
Variant type: Deletion.
Coding change: c.74del on transcript NM_000434.4 (MANE Select); coding-DNA position 74, one base deleted (G; older notation c.74delG).
Protein change: p.Gly25fs; shifts the reading frame from glycine 25.
Molecular consequence: frameshift variant.
Genome position (GRCh38, 1-based): chr6:31,862,703, C deleted on the plus strand (G on the coding strand, the reverse complement: NEU1 is on the minus strand); the first of 2 consecutive C bases (chr6:31,862,703-31,862,704); deleting either gives the same sequence. VCF-style (leftmost placement, unchanged base first): chr6-31862702-GC-G. GRCh37 (hg19) VCF-style: chr6-31830479-GC-G.
Other names: short protein forms G25fs.
Identifiers: ClinVar variation 3720678 (VCV003720678.2).

ClinVar aggregate classification (germline): Pathogenic (1 of 4 stars; one submission).

Submission:

Labcorp Genetics (formerly Invitae), Labcorp
Classification: Pathogenic. Last evaluated: 2024-09-17. Review status: criteria provided, single submitter. Criteria: Invitae Variant Classification Sherloc (09022015). Collection method: clinical testing. Allele origin: germline.
Comment: This sequence change creates a premature translational stop signal (p.Gly25Alafs*34) in the NEU1 gene. It is expected to result in an absent or disrupted protein product. Loss-of-function variants in NEU1 are known to be pathogenic (PMID: 11063730, 14517945). This variant is not present in population databases (gnomAD no frequency). This premature translational stop signal has been observed in individual(s) with sialidosis (PMID: 23391804). This variant is also known as c.73delG. For these reasons, this variant has been classified as Pathogenic.

Literature cited by the submitters: PubMed 11063730; PubMed 14517945; PubMed 23391804.